The following is an entry in ClinVar:

ClinVar aggregate classification (germline): Uncertain significance (1 of 4 stars; one submission).

Submission:

GeneDx
Classification: Uncertain significance. Last evaluated: 2019-10-16. Review status: criteria provided, single submitter. Criteria: GeneDx Variant Classification Process June 2021. Collection method: clinical testing. Allele origin: germline. Affected: yes.
Comment: Not observed in large population cohorts (Lek et al., 2016); In silico analysis, which includes protein predictors and evolutionary conservation, supports a deleterious effect; Has not been previously published as pathogenic or benign to our knowledge

NM_001291867.2(NHS):c.4763T>C (p.Phe1588Ser)

Gene: NHS (NHS actin remodeling regulator; plus strand). Cytogenetic location: Xp22.13.
Variant type: single nucleotide variant.
Coding change: c.4763T>C on transcript NM_001291867.2 (MANE Select); coding-DNA position 4763, T replaced by C.
Protein change: p.Phe1588Ser; replaces phenylalanine 1588 with serine.
Molecular consequence: missense variant.
Genome position (GRCh38, 1-based): chrX:17,732,271, T>C. VCF-style: chrX-17732271-T-C. GRCh37 (hg19) VCF-style: chrX-17750391-T-C.
Other names: c.4232T>C, p.Phe1411Ser (NM_001136024.4); c.4169T>C, p.Phe1390Ser (NM_001291868.2); c.4700T>C, p.Phe1567Ser (NM_198270.4); short protein forms F1390S, F1411S, F1567S, F1588S.
Identifiers: ClinVar variation 1309146 (VCV001309146.2), dbSNP rs2147148832, ClinGen allele CA412371258.
Genomic context (GRCh38, chrX:17,732,271, plus strand): 5'-AAGGGGCTGAGGCATTGTCCCCACTCTCTCCATGCTCCCCACGAGTTAATGCAGAAGGCT[T>C]TTCCTCGAAGAGCTTTGCCACCTCAGCATCAGCAAGGGTTGGACGTTCTCGGGCCCCTCC-3'
Protein context (NP_001278796.1, residues 1578-1598): PCSPRVNAEG[Phe1588Ser]SSKSFATSAS